The following is an entry in ClinVar:

NM_006236.3(POU3F3):c.1315C>A (p.Leu439Met)

Gene: POU3F3 (POU class 3 homeobox 3; plus strand). Cytogenetic location: 2q12.1.
Variant type: single nucleotide variant.
Coding change: c.1315C>A on transcript NM_006236.3 (MANE Select); coding-DNA position 1315, C replaced by A.
Protein change: p.Leu439Met; replaces leucine 439 with methionine.
Molecular consequence: missense variant.
Genome position (GRCh38, 1-based): chr2:104,856,825, C>A. VCF-style: chr2-104856825-C-A. GRCh37 (hg19) VCF-style: chr2-105473283-C-A.
Other names: c.1315C>A, p.Leu439Met (NM_001433704.1); short protein forms L439M.
Identifiers: ClinVar variation 5017377 (VCV005017377.1).

ClinVar aggregate classification (germline): Uncertain significance (1 of 4 stars; one submission).

Submission:

GeneDx
Classification: Uncertain significance. Last evaluated: 2026-03-24. Review status: criteria provided, single submitter. Criteria: GeneDx Variant Classification Process June 2021. Collection method: clinical testing. Allele origin: germline.
Comment: Not observed at significant frequency in large population cohorts (gnomAD); In silico analysis suggests that this missense variant does not alter protein structure/function; Has not been previously published as pathogenic or benign to our knowledge